The following is an entry in ClinVar:

NM_000348.4(SRD5A2):c.691C>G (p.His231Asp)

Gene: SRD5A2 (steroid 5 alpha-reductase 2; minus strand). Cytogenetic location: 2p23.1.
Variant type: single nucleotide variant.
Coding change: c.691C>G on transcript NM_000348.4 (MANE Select); coding-DNA position 691, C replaced by G.
Protein change: p.His231Asp; replaces histidine 231 with aspartic acid.
Molecular consequence: missense variant.
Genome position (GRCh38, 1-based): chr2:31,529,314, G>C on the plus strand (C>G on the coding strand, the complement: SRD5A2 is on the minus strand). VCF-style: chr2-31529314-G-C. GRCh37 (hg19) VCF-style: chr2-31754384-G-C.
Other names: short protein forms H231D.
Identifiers: ClinVar variation 5018453 (VCV005018453.1).
Genomic context (GRCh38, chr2:31,529,314, plus strand): 5'-TTTGGAGAAGAAGAAAGCTACGTGAATGCTGCCGCTTTTATTGAAAAATTTACCTATGGT[G>C]GTGAAAAGCTCGCAGCCCAAGGAAACAAAGTGAGAAAAATGCAAATGCAAGTGCTGGGAG-3'
Protein context (NP_000339.2, residues 221-241): LCFLGLRAFH[His231Asp]HRFYLKMFED

ClinVar aggregate classification (germline): Likely pathogenic (1 of 4 stars; one submission).

Submission:

GeneDx
Classification: Likely pathogenic. Last evaluated: 2026-04-05. Review status: criteria provided, single submitter. Criteria: GeneDx Variant Classification Process June 2021. Collection method: clinical testing. Allele origin: germline.
Comment: Has not been previously published as pathogenic or benign to our knowledge; Missense variants in this gene are often considered pathogenic (HGMD); In silico analysis supports that this missense variant has a deleterious effect on protein structure/function; Not observed at significant frequency in large population cohorts (gnomAD); This variant is associated with the following publications: (PMID: 8706317, 10458450, 28544750, 1522235, 27899157, 9745434)